The following is an entry in ClinVar:

ClinVar aggregate classification (germline): Pathogenic (1 of 4 stars; one submission).

Conditions:
Joubert syndrome and related disorders. Identifiers: Orphanet 140874, MedGen C5679612, MONDO:0015369.

Submission:

Women's Health and Genetics/Laboratory Corporation of America, LabCorp
Classification: Pathogenic for Joubert syndrome and related disorders. Last evaluated: 2024-08-07. Review status: criteria provided, single submitter. Criteria: LabCorp Variant Classification Summary - May 2015. Collection method: clinical testing. Allele origin: germline.
Comment: Variant summary: The variant involves the deletion of exons 1-19 in the NPHP1 gene. A presumed nomenclature of c.(?_-46)_(1929+1_1930-1)del has been designated for the purposes of this classification. The exact breakpoint at the 5' end of this variant is unknown, therefore this deletion may extend upstream of the annotated region of this gene. Although the exact breakpoints of this deletion are not known, it is predicted to remove the initiation codon and result in an absence of protein or a truncation of the encoded protein due to translation initiation at a downstream site. The variant was absent in 21694 control chromosomes. c.(?_-46)_(1929+1_1930-1)del has been reported in the literature in the homozygous state in individuals affected with kidney failure (e.g. Chen_2021). These data indicate that the variant is likely to be associated with disease. To our knowledge, no experimental evidence demonstrating an impact on protein function has been reported. The following publication have been ascertained in the context of this evaluation (PMID: 34031707). No submitters have cited clinical-significance assessments for this variant to ClinVar. Based on the evidence outlined above, the variant was classified as pathogenic.

Literature cited by the submitters: PubMed 34031707.

NC_000002.11:g.(110881641_110883213)_(110962591_?)del

Gene: NPHP1 (nephrocystin 1; minus strand). Cytogenetic location: 2q13.
Variant type: Deletion.
Identifiers: ClinVar variation 3366411 (VCV003366411.1).